The following is an entry in ClinVar:

NM_015991.4(C1QA):c.13C>T (p.Arg5Trp)

Gene: C1QA (complement C1q A chain; plus strand). Cytogenetic location: 1p36.12.
Variant type: single nucleotide variant.
Coding change: c.13C>T on transcript NM_015991.4 (MANE Select); coding-DNA position 13, C replaced by T.
Protein change: p.Arg5Trp; replaces arginine 5 with tryptophan.
Molecular consequence: missense variant.
Genome position (GRCh38, 1-based): chr1:22,637,629, C>T. VCF-style: chr1-22637629-C-T. GRCh37 (hg19) VCF-style: chr1-22964122-C-T.
Other names: c.13C>T, p.Arg5Trp (NM_001347465.2, NM_001347466.2); short protein forms R5W.
Identifiers: ClinVar variation 1360241 (VCV001360241.8), dbSNP rs767510705, ClinGen allele CA677698.

ClinVar aggregate classification (germline): Uncertain significance (1 of 4 stars; one submission).

Allele frequency attached by ClinVar (database versions not stated): ExAC 0.00001; gnomAD 0.00001; gnomAD exomes 0.00002; TOPMed 0.00002.

Submission:

Labcorp Genetics (formerly Invitae), Labcorp
Classification: Uncertain significance. Last evaluated: 2025-10-06. Review status: criteria provided, single submitter. Criteria: Invitae Variant Classification Sherloc (09022015). Collection method: clinical testing. Allele origin: germline.
Comment: This sequence change replaces arginine, which is basic and polar, with tryptophan, which is neutral and slightly polar, at codon 5 of the C1QA protein (p.Arg5Trp). This variant is present in population databases (rs767510705, gnomAD 0.006%). This variant has not been reported in the literature in individuals affected with C1QA-related conditions. ClinVar contains an entry for this variant (Variation ID: 1360241). An algorithm developed to predict the effect of missense changes on protein structure and function outputs the following: PolyPhen-2: "Benign". The tryptophan amino acid residue is found in multiple mammalian species, which suggests that this missense change does not adversely affect protein function. In summary, the available evidence is currently insufficient to determine the role of this variant in disease. Therefore, it has been classified as a Variant of Uncertain Significance.